The following is an entry in ClinVar:

ClinVar aggregate classification (germline): Pathogenic (1 of 4 stars; one submission).

Conditions:
Trichorhinophalangeal syndrome, type III (TRPS3). Also called: SUGIO-KAJII SYNDROME. Identifiers: Orphanet 77258, MedGen C1860823, OMIM 190351, MONDO:0008597.
Trichorhinophalangeal dysplasia type I (TRPS1). Also called: TRPS I; TRICHORHINOPHALANGEAL SYNDROME, TYPE I. Identifiers: Orphanet 77258, MedGen C0432233, MONDO:0008596, OMIM 190350.

Submission:

Labcorp Genetics (formerly Invitae), Labcorp
Classification: Pathogenic for Trichorhinophalangeal syndrome, type III; Trichorhinophalangeal dysplasia type I. Last evaluated: 2023-07-17. Review status: criteria provided, single submitter. Criteria: Invitae Variant Classification Sherloc (09022015). Collection method: clinical testing. Allele origin: germline.
Comment: ClinVar contains an entry for this variant (Variation ID: 1457916). For these reasons, this variant has been classified as Pathogenic. This variant has not been reported in the literature in individuals affected with TRPS1-related conditions. This variant is not present in population databases (gnomAD no frequency). This sequence change creates a premature translational stop signal (p.Asn199Thrfs*10) in the TRPS1 gene. It is expected to result in an absent or disrupted protein product. Loss-of-function variants in TRPS1 are known to be pathogenic (PMID: 11112658).

Literature cited by the submitters: PubMed 11112658.

NM_014112.5(TRPS1):c.596del (p.Asn199fs)

Gene: TRPS1 (transcriptional repressor GATA binding 1; minus strand). Cytogenetic location: 8q23.3.
Variant type: Deletion.
Coding change: c.596del on transcript NM_014112.5 (MANE Select); coding-DNA position 596, one base deleted (A; older notation c.596delA).
Protein change: p.Asn199fs; shifts the reading frame from asparagine 199.
Molecular consequence: frameshift variant.
Genome position (GRCh38, 1-based): chr8:115,619,502, T deleted on the plus strand (A on the coding strand, the reverse complement: TRPS1 is on the minus strand); the first of 6 consecutive T bases (chr8:115,619,502-115,619,507); deleting any one gives the same sequence. VCF-style (leftmost placement, unchanged base first): chr8-115619501-GT-G. GRCh37 (hg19) VCF-style: chr8-116631728-GT-G.
Other names: c.569del, p.Asn190fs (NM_001282902.3); c.575del, p.Asn192fs (NM_001282903.3); c.557del, p.Asn186fs (NM_001330599.2); short protein forms N190fs, N186fs, N199fs, N192fs.
Identifiers: ClinVar variation 1457916 (VCV001457916.6), dbSNP rs2130531960, ClinGen allele CA645544658.